The following is an entry in ClinVar:

ClinVar aggregate classification (germline): Conflicting classifications of pathogenicity. Review status: criteria provided, conflicting classifications (1 of 4 stars). 2 submissions from 2 submitters: Likely pathogenic (1); Uncertain significance (1). Last evaluated 2022-10-11.

Allele frequency attached by ClinVar (database versions not stated): gnomAD 0.00001 and 0.00002; gnomAD exomes 0.00001; TOPMed 0.00003.

Submissions (2):

GeneDx
Classification: Likely pathogenic. Last evaluated: 2022-10-11. Review status: criteria provided, single submitter. Criteria: GeneDx Variant Classification Process June 2021. Collection method: clinical testing. Allele origin: germline. Affected: yes.
Comment: In silico analysis supports a deleterious effect on splicing; Not observed at significant frequency in large population cohorts (gnomAD); This variant is associated with the following publications: (PMID: 33672664)

Genetic Services Laboratory, University of Chicago
Classification: Uncertain significance. Last evaluated: 2014-10-27. Review status: criteria provided, single submitter. Criteria: ACMG Guidelines, 2015. Collection method: clinical testing. Allele origin: germline.

NM_004826.4(ECEL1):c.1507-9G>A

Gene: ECEL1 (endothelin converting enzyme like 1; minus strand). Cytogenetic location: 2q37.1.
Variant type: single nucleotide variant.
Coding change: c.1507-9G>A on transcript NM_004826.4 (MANE Select); 9 bases into the intron before coding-DNA position 1507, G replaced by A.
Molecular consequence: intron variant.
Genome position (GRCh38, 1-based): chr2:232,483,188, C>T on the plus strand (G>A on the coding strand, the complement: ECEL1 is on the minus strand). VCF-style: chr2-232483188-C-T. GRCh37 (hg19) VCF-style: chr2-233347898-C-T.
Other names: c.1507-9G>A (NM_001290787.2).
Identifiers: ClinVar variation 210907 (VCV000210907.7), dbSNP rs797045548, ClinGen allele CA205695.